The following is an entry in ClinVar:

ClinVar aggregate classification (germline): Uncertain significance (1 of 4 stars; one submission).

Allele frequency attached by ClinVar (database versions not stated): gnomAD exomes below 0.00001 and 0.00002; gnomAD 0.00001; ExAC 0.00002; 1000 Genomes Project 30x 0.00031; 1000 Genomes Project 0.00040.
gnomAD v4.1: 3 of 1,613,556 alleles (0.00019%); highest among the groups gnomAD compares: East Asian, 0.0067%; no homozygotes.

Submission:

Labcorp Genetics (formerly Invitae), Labcorp
Classification: Uncertain significance. Last evaluated: 2022-02-11. Review status: criteria provided, single submitter. Criteria: Invitae Variant Classification Sherloc (09022015). Collection method: clinical testing. Allele origin: germline.
Comment: This sequence change replaces aspartic acid, which is acidic and polar, with valine, which is neutral and non-polar, at codon 377 of the TTC37 protein (p.Asp377Val). This variant is present in population databases (rs553930070, gnomAD 0.02%). This variant has not been reported in the literature in individuals affected with TTC37-related conditions. ClinVar contains an entry for this variant (Variation ID: 1058686). Algorithms developed to predict the effect of missense changes on protein structure and function (SIFT, PolyPhen-2, Align-GVGD) all suggest that this variant is likely to be tolerated. In summary, the available evidence is currently insufficient to determine the role of this variant in disease. Therefore, it has been classified as a Variant of Uncertain Significance.

NM_014639.4(SKIC3):c.1130A>T (p.Asp377Val)

Gene: SKIC3 (SKI3 subunit of superkiller complex; minus strand). Cytogenetic location: 5q15.
Variant type: single nucleotide variant.
Coding change: c.1130A>T on transcript NM_014639.4 (MANE Select); coding-DNA position 1130, A replaced by T.
Protein change: p.Asp377Val; replaces aspartic acid 377 with valine.
Molecular consequence: missense variant.
Genome position (GRCh38, 1-based): chr5:95,528,017, T>A on the plus strand (A>T on the coding strand, the complement: SKIC3 is on the minus strand). VCF-style: chr5-95528017-T-A. GRCh37 (hg19) VCF-style: chr5-94863721-T-A.
Other names: short protein forms D377V.
Identifiers: ClinVar variation 1058686 (VCV001058686.6), dbSNP rs553930070, ClinGen allele CA3347425.